The following is an entry in ClinVar:

ClinVar aggregate classification (germline): Uncertain significance (1 of 4 stars; one submission).

Submission:

Ambry Genetics
Classification: Uncertain significance. Last evaluated: 2023-09-13. Review status: criteria provided, single submitter. Criteria: Ambry Variant Classification Scheme 2023. Collection method: clinical testing. Allele origin: germline.
Comment: The p.E1310K variant (also known as c.3928G>A), located in coding exon 8 of the MLH3 gene, results from a G to A substitution at nucleotide position 3928. The glutamic acid at codon 1310 is replaced by lysine, an amino acid with similar properties. This amino acid position is conserved. In addition, the in silico prediction for this alteration is inconclusive. Since supporting evidence is limited at this time, the clinical significance of this alteration remains unclear.

NM_001040108.2(MLH3):c.3928G>A (p.Glu1310Lys)

Gene: MLH3 (mutL homolog 3; minus strand). Cytogenetic location: 14q24.3.
Variant type: single nucleotide variant.
Coding change: c.3928G>A on transcript NM_001040108.2 (MANE Select); coding-DNA position 3928, G replaced by A.
Protein change: p.Glu1310Lys; replaces glutamic acid 1310 with lysine.
Molecular consequence: missense variant.
Genome position (GRCh38, 1-based): chr14:75,030,602, C>T on the plus strand (G>A on the coding strand, the complement: MLH3 is on the minus strand). VCF-style: chr14-75030602-C-T. GRCh37 (hg19) VCF-style: chr14-75497305-C-T.
Other names: c.3856G>A, p.Glu1286Lys (NM_014381.3); short protein forms E1286K, E1310K.
Identifiers: ClinVar variation 1736242 (VCV001736242.3), dbSNP rs1595050855, ClinGen allele CA390422690.